The following is an entry in ClinVar:

ClinVar aggregate classification (germline): conflicting data from submitters (0 of 4 stars; one submission).

Submission:

ISCA site 1
Classification: conflicting data from submitters. Last evaluated: 2016-03-10. Review status: no assertion criteria provided. Collection method: clinical testing. Allele origin: unknown, paternal. Affected: yes. Observed: 2 variant alleles.
Comment: Uncertain significance(1), Likely benign (1)

Copy number variation identified through the course of routine clinical cytogenomic testing in postnatal populations, with clinical assertions as classified by the original submitter. For data from the original published study, Kaminsky, et al. 2011 (PubMed 21844811), please see nstd101.

GRCh37/hg19 5p15.2(chr5:13085316-14247763)x3

Genes: DNAH5 (dynein axonemal heavy chain 5; minus strand), TRIO (trio Rho guanine nucleotide exchange factor; plus strand). Cytogenetic location: 5p15.2.
Variant type: copy number gain.
Change: copy number 3 (three copies instead of two) of chr5:13,085,316-14,247,763 (1.16 Mb, GRCh37 coordinates, 1-based), cytogenetic band 5p15.2.
Identifiers: ClinVar variation 442723 (VCV000442723.3).